The following is an entry in ClinVar:

NM_000836.4(GRIN2D):c.3099C>G (p.Pro1033=)

Gene: GRIN2D (glutamate ionotropic receptor NMDA type subunit 2D; plus strand). Cytogenetic location: 19q13.33.
Variant type: single nucleotide variant.
Coding change: c.3099C>G on transcript NM_000836.4 (MANE Select); coding-DNA position 3099, C replaced by G.
Protein change: p.Pro1033=; no amino-acid change (proline 1033 retained).
Molecular consequence: synonymous variant.
Genome position (GRCh38, 1-based): chr19:48,443,025, C>G. VCF-style: chr19-48443025-C-G. GRCh37 (hg19) VCF-style: chr19-48946282-C-G.
Identifiers: ClinVar variation 3355399 (VCV003355399.1).

ClinVar aggregate classification (germline): Likely benign (0 of 4 stars; one submission).

Conditions:
GRIN2D-related disorder. Also called: GRIN2D-related condition.

Submission:

PreventionGenetics, part of Exact Sciences
Classification: Likely benign for GRIN2D-related condition. Last evaluated: 2024-08-15. Review status: no assertion criteria provided. Collection method: clinical testing. Allele origin: germline.
Comment: This variant is classified as likely benign based on ACMG/AMP sequence variant interpretation guidelines (Richards et al. 2015 PMID: 25741868, with internal and published modifications).